The following is an entry in ClinVar:

ClinVar aggregate classification (germline): Uncertain significance. Review status: criteria provided, multiple submitters, no conflicts (2 of 4 stars). 2 submissions from 2 submitters: Uncertain significance (2). Last evaluated 2025-07-07.

Conditions:
Hereditary cancer-predisposing syndrome. Also called: Tumor predisposition; Neoplastic Syndromes, Hereditary; Hereditary neoplastic syndrome; Hereditary Cancer Syndrome. Identifiers: Orphanet 140162, MedGen C0027672, MeSH D009386, MONDO:0015356.

Submissions (2):

Ambry Genetics
Classification: Uncertain significance for Hereditary cancer-predisposing syndrome. Last evaluated: 2025-07-07. Review status: criteria provided, single submitter. Criteria: Ambry Variant Classification Scheme 2023. Collection method: clinical testing. Allele origin: germline.
Comment: The c.550-3delT intronic variant, located in intron 5 of the PRKAR1A gene, results from a deletion of one nucleotide within intron 5 of the PRKAR1A gene. This nucleotide position is not well conserved in available vertebrate species. In silico splice site analysis predicts that this alteration will not have any significant effect on splicing. Based on the available evidence, the clinical significance of this variant remains unclear.

GeneDx
Classification: Uncertain significance. Last evaluated: 2024-03-11. Review status: criteria provided, single submitter. Criteria: GeneDx Variant Classification Process June 2021. Collection method: clinical testing. Allele origin: germline. Affected: yes.
Comment: Not observed at significant frequency in large population cohorts (gnomAD); Has not been previously published as pathogenic or benign to our knowledge; In silico analysis is inconclusive as to whether the variant alters gene splicing. In the absence of RNA/functional studies, the actual effect of this sequence change is unknown.

NM_002734.5(PRKAR1A):c.550-3del

Gene: PRKAR1A (protein kinase cAMP-dependent type I regulatory subunit alpha; plus strand). Cytogenetic location: 17q24.2.
Variant type: Deletion.
Coding change: c.550-3del on transcript NM_002734.5 (MANE Select); 3 bases into the intron before coding-DNA position 550, one base deleted (T; older notation c.550-3delT).
Molecular consequence: intron variant.
Genome position (GRCh38, 1-based): chr17:68,525,751, T deleted; the last of 3 consecutive T bases (chr17:68,525,749-68,525,751); deleting any one gives the same sequence. VCF-style (leftmost placement, unchanged base first): chr17-68525748-CT-C. GRCh37 (hg19) VCF-style: chr17-66521889-CT-C.
Other names: c.550-3del (NM_001278433.2, NM_001369389.1, NM_212471.3 and 4 more transcripts); c.550-3delT (NM_002734.3).
Identifiers: ClinVar variation 3370896 (VCV003370896.2).